The following is an entry in ClinVar:

ClinVar aggregate classification (germline): Likely benign (1 of 4 stars; one submission).

Conditions:
Familial cancer of breast. Also called: Hereditary breast cancer; hereditary breast carcinoma; BREAST CANCER, FAMILIAL. Identifiers: Orphanet 227535, MedGen C0346153, MONDO:0016419, OMIM 114480. Disease mechanism: loss of function.

Submission:

Myriad Genetics, Inc.
Classification: Likely benign for Familial cancer of breast. Last evaluated: 2025-01-14. Review status: criteria provided, single submitter. Criteria: Myriad Autosomal Dominant, Autosomal Recessive and X-Linked Classification Criteria (2023). Collection method: clinical testing. Allele origin: unknown.
Comment: This variant is considered likely benign. This variant is intronic and is not expected to impact mRNA splicing.

NM_024675.4(PALB2):c.1684+7C>T

Gene: PALB2 (partner and localizer of BRCA2; minus strand). Cytogenetic location: 16p12.2.
Variant type: single nucleotide variant.
Coding change: c.1684+7C>T on transcript NM_024675.4 (MANE Select); 7 bases into the intron after coding-DNA position 1684, C replaced by T.
Molecular consequence: intron variant.
Genome position (GRCh38, 1-based): chr16:23,634,855, G>A on the plus strand (C>T on the coding strand, the complement: PALB2 is on the minus strand). VCF-style: chr16-23634855-G-A. GRCh37 (hg19) VCF-style: chr16-23646176-G-A.
Other names: c.799+7C>T (NM_001407308.1, NM_001407306.1, NM_001407307.1 and 5 more transcripts); c.49-5580C>T (NM_001407314.1); c.-104-4386C>T (NM_001407313.1, NM_001407312.1); c.1624+7C>T (NM_001407296.1); c.1684+7C>T (NM_001407297.1, NM_001407302.1, NM_001407298.1 and 3 more transcripts).
Identifiers: ClinVar variation 3903609 (VCV003903609.1).